The following is an entry in ClinVar:

NM_015047.3(EMC1):c.2802+1G>A

Genes: EMC1 (ER membrane protein complex subunit 1; minus strand), EMC1-AS1 (EMC1 antisense RNA 1; plus strand). Cytogenetic location: 1p36.13.
Variant type: single nucleotide variant.
Coding change: c.2802+1G>A on transcript NM_015047.3 (MANE Select); the canonical splice donor site of the intron after coding-DNA position 2802, G replaced by A.
Molecular consequence: splice donor variant.
Genome position (GRCh38, 1-based): chr1:19,219,568, C>T on the plus strand (G>A on the coding strand, the complement: EMC1 is on the minus strand). VCF-style: chr1-19219568-C-T. GRCh37 (hg19) VCF-style: chr1-19546062-C-T.
Other names: c.2736+1G>A (NM_001271429.2); c.2799+1G>A (NM_001271427.2, NM_001271428.2); c.2808+1G>A (NM_001375821.1); c.2811+1G>A (NM_001375820.1).
Identifiers: ClinVar variation 3686699 (VCV003686699.2).

ClinVar aggregate classification (germline): Uncertain significance (1 of 4 stars; one submission).

Submission:

Labcorp Genetics (formerly Invitae), Labcorp
Classification: Uncertain significance. Last evaluated: 2024-07-01. Review status: criteria provided, single submitter. Criteria: Invitae Variant Classification Sherloc (09022015). Collection method: clinical testing. Allele origin: germline.
Comment: This sequence change affects a donor splice site in intron 22 of the EMC1 gene. While this variant is not anticipated to result in nonsense mediated decay, it likely alters RNA splicing and results in a disrupted protein product. This variant is not present in population databases (gnomAD no frequency). This variant has not been reported in the literature in individuals affected with EMC1-related conditions. Variants that disrupt the consensus splice site are a relatively common cause of aberrant splicing (PMID: 17576681, 9536098). Algorithms developed to predict the effect of sequence changes on RNA splicing suggest that this variant may disrupt the consensus splice site. In summary, the available evidence is currently insufficient to determine the role of this variant in disease. Therefore, it has been classified as a Variant of Uncertain Significance.

Literature cited by the submitters: PubMed 17576681; PubMed 9536098.